The following is an entry in ClinVar:

ClinVar aggregate classification (germline): Uncertain significance (1 of 4 stars; one submission).

Conditions:
Autosomal recessive ataxia, Beauce type. Also called: SYNE1-Related Autosomal Recessive Cerebellar Ataxia; Spinocerebellar ataxia, autosomal recessive 8; ATAXIA, RECESSIVE, OF BEAUCE; SYNE1 Deficiency. Identifiers: Orphanet 88644, MedGen C1853116, MONDO:0012549, OMIM 610743.
Emery-Dreifuss muscular dystrophy 4, autosomal dominant (EDMD4). Also called: EMERY-DREIFUSS MUSCULAR DYSTROPHY 4 WITH VARIABLE FEATURES. Identifiers: Orphanet 261, MedGen C2751807, MONDO:0013071, OMIM 612998.

Allele frequency attached by ClinVar (database versions not stated): ExAC 0.00001; ESP Exome Variant Server 0.00008; gnomAD exomes below 0.00001.

Submission:

Labcorp Genetics (formerly Invitae), Labcorp
Classification: Uncertain significance for Emery-Dreifuss muscular dystrophy 4, autosomal dominant; Autosomal recessive ataxia, Beauce type. Last evaluated: 2023-08-30. Review status: criteria provided, single submitter. Criteria: Invitae Variant Classification Sherloc (09022015). Collection method: clinical testing. Allele origin: germline.
Comment: This sequence change replaces aspartic acid, which is acidic and polar, with asparagine, which is neutral and polar, at codon 323 of the SYNE1 protein (p.Asp323Asn). This variant is present in population databases (rs369574011, gnomAD 0.0009%). This variant has not been reported in the literature in individuals affected with SYNE1-related conditions. ClinVar contains an entry for this variant (Variation ID: 1484365). An algorithm developed to predict the effect of missense changes on protein structure and function (PolyPhen-2) suggests that this variant is likely to be disruptive. In summary, the available evidence is currently insufficient to determine the role of this variant in disease. Therefore, it has been classified as a Variant of Uncertain Significance.

NM_182961.4(SYNE1):c.946G>A (p.Asp316Asn)

Gene: SYNE1 (spectrin repeat containing nuclear envelope protein 1; minus strand). Cytogenetic location: 6q25.2.
Variant type: single nucleotide variant.
Coding change: c.946G>A on transcript NM_182961.4 (MANE Select); coding-DNA position 946, G replaced by A.
Protein change: p.Asp316Asn; replaces aspartic acid 316 with asparagine.
Molecular consequence: missense variant.
Genome position (GRCh38, 1-based): chr6:152,488,497, C>T on the plus strand (G>A on the coding strand, the complement: SYNE1 is on the minus strand). VCF-style: chr6-152488497-C-T. GRCh37 (hg19) VCF-style: chr6-152809632-C-T.
Other names: c.967G>A, p.Asp323Asn (NM_033071.5); short protein forms D323N, D316N.
Identifiers: ClinVar variation 1484365 (VCV001484365.6), dbSNP rs369574011, ClinGen allele CA4059551.